The following is an entry in ClinVar:

NM_015272.5(RPGRIP1L):c.740TTC[1] (p.Leu248del)

Gene: RPGRIP1L (RPGRIP1 like; minus strand). Cytogenetic location: 16q12.2.
Variant type: Microsatellite.
Coding change: c.740TTC[1] on transcript NM_015272.5 (MANE Select); one copy of the 3-base unit TTC starting at c.740; the reference has two copies in a row; one copy, 3 bases deleted; also written c.743_745del.
Protein change: p.Leu248del; deletes leucine 248.
Molecular consequence: inframe deletion.
Genome position (GRCh38, 1-based): chr16:53,686,464-53,686,466, GAA deleted on the plus strand (TTC on the coding strand, the reverse complement: RPGRIP1L is on the minus strand); deleting any 3 consecutive bases within chr16:53,686,464-53,686,471 gives the same sequence; the position shown is the placement nearest the transcript's 3' end. VCF-style (leftmost placement, unchanged base first): chr16-53686463-TGAA-T. GRCh37 (hg19) VCF-style: chr16-53720375-TGAA-T.
Other names: c.743_745del (NM_015272.2); c.740TTC[1], p.Leu248del (NM_001127897.4, NM_001308334.3, NM_001330538.2); short protein forms L248del.
Identifiers: ClinVar variation 2102804 (VCV002102804.5), dbSNP rs1567879828, ClinGen allele CA622268089.

ClinVar aggregate classification (germline): Uncertain significance. Review status: criteria provided, multiple submitters, no conflicts (2 of 4 stars). 2 submissions from 2 submitters: Uncertain significance (2). Last evaluated 2023-07-17.

Conditions:
Joubert syndrome. Also called: CEREBELLOPARENCHYMAL DISORDER IV; JOUBERT-BOLTSHAUSER SYNDROME; Familial aplasia of the vermis. Identifiers: Orphanet 475, MedGen C5979921, MONDO:0018772.
Meckel-Gruber syndrome. Also called: DYSENCEPHALIA SPLANCHNOCYSTICA; GRUBER SYNDROME; Dysencephalia splachnocystica. Identifiers: Orphanet 564, MedGen C0265215, MONDO:0018921.

Submissions (2):

Labcorp Genetics (formerly Invitae), Labcorp
Classification: Uncertain significance for Joubert syndrome; Meckel-Gruber syndrome. Last evaluated: 2023-07-17. Review status: criteria provided, single submitter. Criteria: Invitae Variant Classification Sherloc (09022015). Collection method: clinical testing. Allele origin: germline.
Comment: This variant has not been reported in the literature in individuals affected with RPGRIP1L-related conditions. This variant is present in population databases (no rsID available, gnomAD 0.0009%). This variant, c.743_745del, results in the deletion of 1 amino acid(s) of the RPGRIP1L protein (p.Leu248del), but otherwise preserves the integrity of the reading frame. Experimental studies and prediction algorithms are not available or were not evaluated, and the functional significance of this variant is currently unknown. In summary, the available evidence is currently insufficient to determine the role of this variant in disease. Therefore, it has been classified as a Variant of Uncertain Significance.

GeneDx
Classification: Uncertain significance. Last evaluated: 2023-02-14. Review status: criteria provided, single submitter. Criteria: GeneDx Variant Classification Process June 2021. Collection method: clinical testing. Allele origin: germline. Affected: yes.
Comment: Not observed at significant frequency in large population cohorts (gnomAD); In-frame deletion of 1 amino acids in a non-repeat region; Has not been previously published as pathogenic or benign to our knowledge